The following is an entry in ClinVar:

ClinVar aggregate classification (germline): Uncertain significance (1 of 4 stars; one submission).

Conditions:
Candidiasis, familial, 9 (CANDF9). Identifiers: Orphanet 1334, MedGen C4225324, MONDO:0014642, OMIM 616445.

Allele frequency attached by ClinVar (database versions not stated): ExAC 0.00003.
gnomAD v4.1: 9 of 1,601,446 alleles (0.00056%); highest among the groups gnomAD compares: Non-Finnish European, 0.00068%; no homozygotes.

Submission:

Labcorp Genetics (formerly Invitae), Labcorp
Classification: Uncertain significance for Candidiasis, familial, 9. Last evaluated: 2024-10-28. Review status: criteria provided, single submitter. Criteria: Invitae Variant Classification Sherloc (09022015). Collection method: clinical testing. Allele origin: germline.
Comment: This sequence change replaces glutamine, which is neutral and polar, with glutamic acid, which is acidic and polar, at codon 260 of the IL17RC protein (p.Gln260Glu). The frequency data for this variant in the population databases is considered unreliable, as metrics indicate poor data quality at this position in the gnomAD database. This variant has not been reported in the literature in individuals affected with IL17RC-related conditions. ClinVar contains an entry for this variant (Variation ID: 2104556). An algorithm developed to predict the effect of missense changes on protein structure and function (PolyPhen-2) suggests that this variant is likely to be tolerated. In summary, the available evidence is currently insufficient to determine the role of this variant in disease. Therefore, it has been classified as a Variant of Uncertain Significance.

NM_153460.4(IL17RC):c.565C>G (p.Gln189Glu)

Gene: IL17RC (interleukin 17 receptor C; plus strand). Cytogenetic location: 3p25.3.
Variant type: single nucleotide variant.
Coding change: c.565C>G on transcript NM_153460.4 (MANE Select); coding-DNA position 565, C replaced by G.
Protein change: p.Gln189Glu; replaces glutamine 189 with glutamic acid.
Molecular consequence: missense variant. On other transcripts: non-coding transcript variant (1).
Genome position (GRCh38, 1-based): chr3:9,920,590, C>G. VCF-style: chr3-9920590-C-G. GRCh37 (hg19) VCF-style: chr3-9962274-C-G.
Other names: c.565C>G, p.Gln189Glu (NM_001203263.2, NM_001203264.2, NM_001203265.2 and 4 more transcripts); c.490C>G, p.Gln164Glu (NM_001367279.1); c.778C>G, p.Gln260Glu (NM_153461.4); short protein forms Q164E, Q189E, Q260E.
Identifiers: ClinVar variation 2104556 (VCV002104556.4), dbSNP rs764990921, ClinGen allele CA2246864.
Genomic context (GRCh38, chr3:9,920,590, plus strand): 5'-AGTGAGGTACGAATCTGGTCCTATACTCAGCCCAGGTACGAGAAGGAACTCAACCACACA[C>G]AGCAGCTGCCTGGTAAGTGGACCCCCAAGTCCTGGCCCCCTAGCCTCTGTCCCCTCTGGC-3'
Protein context (NP_703190.2, residues 179-199): PRYEKELNHT[Gln189Glu]QLPDCRGLEV